The following is an entry in ClinVar:

ClinVar aggregate classification (germline): Uncertain significance (1 of 4 stars; one submission).

gnomAD v4.1: 1 of 1,613,970 alleles (0.000062%); highest among the groups gnomAD compares: Non-Finnish European, 0.000085%; no homozygotes.

Submission:

Women's Health and Genetics/Laboratory Corporation of America, LabCorp
Classification: Uncertain significance. Last evaluated: 2024-08-12. Review status: criteria provided, single submitter. Criteria: LabCorp Variant Classification Summary - May 2015. Collection method: clinical testing. Allele origin: germline.
Comment: Variant summary: TLK2 c.2013G>C (p.Glu671Asp) results in a conservative amino acid change located in the Protein kinase domain (IPR000719) of the encoded protein sequence. Four of five in-silico tools predict a benign effect of the variant on protein function. The variant was absent in 250628 control chromosomes. The available data on variant occurrences in the general population are insufficient to allow any conclusion about variant significance. To our knowledge, no occurrence of c.2013G>C in individuals affected with Intellectual Disability, Autosomal Dominant 57 and no experimental evidence demonstrating its impact on protein function have been reported. No submitters have cited clinical-significance assessments for this variant to ClinVar. Based on the evidence outlined above, the variant was classified as uncertain significance.

NM_006852.6(TLK2):c.2013G>C (p.Glu671Asp)

Gene: TLK2 (tousled like kinase 2; plus strand). Cytogenetic location: 17q23.2.
Variant type: single nucleotide variant.
Coding change: c.2013G>C on transcript NM_006852.6 (MANE Select); coding-DNA position 2013, G replaced by C.
Protein change: p.Glu671Asp; replaces glutamic acid 671 with aspartic acid.
Molecular consequence: missense variant.
Genome position (GRCh38, 1-based): chr17:62,608,082, G>C. VCF-style: chr17-62608082-G-C. GRCh37 (hg19) VCF-style: chr17-60685443-G-C.
Other names: c.2079G>C, p.Glu693Asp (NM_001284333.3); c.1917G>C, p.Glu639Asp (NM_001284363.1, NM_001375272.1); c.1566G>C, p.Glu522Asp (NM_001330418.3, NM_001375273.1); c.2055G>C, p.Glu685Asp (NM_001375269.1); c.2013G>C, p.Glu671Asp (NM_001375270.1, NM_001375271.1); c.1728G>C, p.Glu576Asp (NM_001411074.1); short protein forms E522D, E576D, E639D, E671D, E685D, E693D.
Identifiers: ClinVar variation 3366843 (VCV003366843.1).